The following is an entry in ClinVar:

NM_000784.4(CYP27A1):c.646+2T>C

Gene: CYP27A1 (cytochrome P450 family 27 subfamily A member 1; plus strand). Cytogenetic location: 2q35.
Variant type: single nucleotide variant.
Coding change: c.646+2T>C on transcript NM_000784.4 (MANE Select); the canonical splice donor site of the intron after coding-DNA position 646, T replaced by C.
Molecular consequence: splice donor variant.
Genome position (GRCh38, 1-based): chr2:218,812,423, T>C. VCF-style: chr2-218812423-T-C. GRCh37 (hg19) VCF-style: chr2-219677146-T-C.
Identifiers: ClinVar variation 552311 (VCV000552311.6), dbSNP rs1553616253, ClinGen allele CA350585716.

ClinVar aggregate classification (germline): Likely pathogenic. Review status: criteria provided, single submitter (1 of 4 stars). 3 submissions from 3 submitters: Likely pathogenic (1). 2 of the submissions do not count toward it. Last evaluated 2024-02-16.

Conditions:
CYP27A1-related disorder. Also called: CYP27A1-related condition.
Cholestanol storage disease (CTX). Also called: CTX: Cerebrotendinous xanthomatosis; CEREBRAL CHOLESTERINOSIS; Cerebrotendinous Xanthomatosis. Identifiers: Orphanet 909, MedGen C0238052, MONDO:0008948, OMIM 213700.

Submissions (3):

Labcorp Genetics (formerly Invitae), Labcorp
Classification: Likely pathogenic for Cholestanol storage disease. Last evaluated: 2024-02-16. Review status: criteria provided, single submitter. Criteria: Invitae Variant Classification Sherloc (09022015). Collection method: clinical testing. Allele origin: germline.
Comment: This sequence change affects a donor splice site in intron 3 of the CYP27A1 gene. It is expected to disrupt RNA splicing. Variants that disrupt the donor or acceptor splice site typically lead to a loss of protein function (PMID: 16199547), and loss-of-function variants in CYP27A1 are known to be pathogenic (PMID: 9392430, 10775536, 26937392). This variant is not present in population databases (gnomAD no frequency). This variant has not been reported in the literature in individuals affected with CYP27A1-related conditions. ClinVar contains an entry for this variant (Variation ID: 552311). Algorithms developed to predict the effect of sequence changes on RNA splicing suggest that this variant may disrupt the consensus splice site. In summary, the currently available evidence indicates that the variant is pathogenic, but additional data are needed to prove that conclusively. Therefore, this variant has been classified as Likely Pathogenic.

PreventionGenetics, part of Exact Sciences
Classification: Likely pathogenic for CYP27A1-related condition. Last evaluated: 2024-05-24. Review status: no assertion criteria provided. Collection method: clinical testing. Allele origin: germline. Not counted in ClinVar's aggregate classification.
Comment: The CYP27A1 c.646+2T>C variant is predicted to disrupt the GT donor site and interfere with normal splicing. To our knowledge, this variant has not been reported in the literature or in a large population database, indicating this variant is rare. Variants that disrupt the consensus splice donor site in CYP27A1 are expected to be pathogenic. This variant is interpreted as likely pathogenic.

Counsyl
Classification: Likely pathogenic for Cholestanol storage disease. Last evaluated: 2017-06-05. Review status: no assertion criteria provided. Collection method: clinical testing. Allele origin: unknown. Not counted in ClinVar's aggregate classification.

Literature cited by the submitters: PubMed 16199547 (cited by Labcorp Genetics (formerly Invitae), Labcorp); PubMed 9392430 (cited by Labcorp Genetics (formerly Invitae), Labcorp); PubMed 10775536 (cited by Labcorp Genetics (formerly Invitae), Labcorp); PubMed 26937392 (cited by Labcorp Genetics (formerly Invitae), Labcorp).